The following is an entry in ClinVar:

ClinVar aggregate classification (germline): Pathogenic/Likely pathogenic. Review status: criteria provided, multiple submitters, no conflicts (2 of 4 stars). 4 submissions from 4 submitters: Pathogenic (1); Likely pathogenic (2). 1 of the submissions does not count toward it. Last evaluated 2025-06-13.

Conditions:
Hyperparathyroidism, transient neonatal. Identifiers: MedGen C1300287, MONDO:0032591, OMIM 618188.

Allele frequency attached by ClinVar (database versions not stated): TOPMed 0.00003; gnomAD exomes 0.00002; ExAC 0.00002.
gnomAD v4.1: 10 of 1,614,078 alleles (0.00062%); highest among the groups gnomAD compares: East Asian, 0.013%; no homozygotes.

Submissions (4):

3billion
Classification: Pathogenic for Hyperparathyroidism, transient neonatal. Last evaluated: 2025-06-13. Review status: criteria provided, single submitter. Criteria: ACMG Guidelines, 2015. Collection method: clinical testing. Allele origin: germline. Affected: yes.
Comment: The variant is observed at an extremely low frequency in the gnomAD v4.1.0 dataset (total allele frequency: <0.001%). Predicted Consequence/Location: Missense variant Functional studies provide moderate evidence of the variant having a damaging effect on the gene or gene product (PMID: 29861107). In silico tool predictions suggest damaging effect of the variant on gene or gene product [REVEL: 0.88 (>=0.6, sensitivity 0.68 and specificity 0.92)]. The same nucleotide change resulting in the same amino acid change has been previously reported as pathogenic/likely pathogenic with strong evidence (ClinVar ID: VCV000590768 /PMID: 29861107). Therefore, this variant is classified as Pathogenic according to the recommendation of ACMG/AMP guideline.

Labcorp Genetics (formerly Invitae), Labcorp
Classification: Likely pathogenic. Last evaluated: 2024-12-18. Review status: criteria provided, single submitter. Criteria: Invitae Variant Classification Sherloc (09022015). Collection method: clinical testing. Allele origin: germline.
Comment: This sequence change replaces glycine, which is neutral and non-polar, with glutamic acid, which is acidic and polar, at codon 451 of the TRPV6 protein (p.Gly451Glu). This variant is present in population databases (rs759393722, gnomAD 0.01%). This missense change has been observed in individuals with transient neonatal hyperparathyroidism (PMID: 29861107, 32646367). ClinVar contains an entry for this variant (Variation ID: 590768). Algorithms developed to predict the effect of variants on gene product structure and function are not available or were not evaluated for this variant. Experimental studies have shown that this missense change affects TRPV6 function (PMID: 29861107). In summary, the currently available evidence indicates that the variant is pathogenic, but additional data are needed to prove that conclusively. Therefore, this variant has been classified as Likely Pathogenic.

SIB Swiss Institute of Bioinformatics
Classification: Likely pathogenic for Hyperparathyroidism, transient neonatal. Last evaluated: 2019-05-21. Review status: criteria provided, single submitter. Criteria: ACMG Guidelines, 2015. Collection method: curation. Allele origin: unknown.
Comment: This variant is interpreted as a Likely pathogenic for Hyperparathyroidism, transient neonatal, autosomal recessive. The following ACMG Tag(s) were applied: PM2; PP3; PP1; PS3-Moderate.

OMIM
Classification: Pathogenic for HYPERPARATHYROIDISM, TRANSIENT NEONATAL. Last evaluated: 2018-11-14. Review status: no assertion criteria provided. Collection method: literature only. Allele origin: germline. Not counted in ClinVar's aggregate classification.

Literature cited by the submitters: PubMed 29861107 (cited by 4 submitters); PubMed 32646367 (cited by Labcorp Genetics (formerly Invitae), Labcorp).

NM_018646.6(TRPV6):c.1352G>A (p.Gly451Glu)

Gene: TRPV6 (transient receptor potential cation channel subfamily V member 6; minus strand). Cytogenetic location: 7q34.
Variant type: single nucleotide variant.
Coding change: c.1352G>A on transcript NM_018646.6 (MANE Select); coding-DNA position 1352, G replaced by A.
Protein change: p.Gly451Glu; replaces glycine 451 with glutamic acid.
Molecular consequence: missense variant.
Genome position (GRCh38, 1-based): chr7:142,874,958, C>T on the plus strand (G>A on the coding strand, the complement: TRPV6 is on the minus strand). VCF-style: chr7-142874958-C-T. GRCh37 (hg19) VCF-style: chr7-142572711-C-T.
Other names: short protein forms G451E.
Identifiers: ClinVar variation 590768 (VCV000590768.5), dbSNP rs759393722, ClinGen allele CA4532542.